The following is an entry in ClinVar:

ClinVar aggregate classification (germline): Pathogenic. Review status: criteria provided, multiple submitters, no conflicts (2 of 4 stars). 2 submissions from 2 submitters: Pathogenic (2). Last evaluated 2023-05-10.

Conditions:
Familial adenomatous polyposis 1 (FAP1). Also called: FAMILIAL ADENOMATOUS POLYPOSIS 1, ATTENUATED; POLYPOSIS, ADENOMATOUS INTESTINAL. Identifiers: MedGen C2713442, MONDO:0021056, OMIM 175100. Disease mechanism: loss of function.

Submissions (2):

Myriad Genetics, Inc.
Classification: Pathogenic for Familial adenomatous polyposis 1. Last evaluated: 2023-05-10. Review status: criteria provided, single submitter. Criteria: Myriad Autosomal Dominant, Autosomal Recessive and X-Linked Classification Criteria (2023). Collection method: clinical testing. Allele origin: unknown.
Comment: This variant is considered pathogenic. This variant creates a frameshift predicted to result in premature protein truncation.

Labcorp Genetics (formerly Invitae), Labcorp
Classification: Pathogenic for Familial adenomatous polyposis 1. Last evaluated: 2023-03-01. Review status: criteria provided, single submitter. Criteria: Invitae Variant Classification Sherloc (09022015). Collection method: clinical testing. Allele origin: germline.
Comment: This variant is not present in population databases (gnomAD no frequency). This sequence change creates a premature translational stop signal (p.Thr1368Aspfs*7) in the APC gene. While this is not anticipated to result in nonsense mediated decay, it is expected to disrupt the last 1476 amino acid(s) of the APC protein. This premature translational stop signal has been observed in individual(s) with 23159591 (APC related conditions). This variant disrupts a region of the APC protein in which other variant(s) (p.Tyr2645Lysfs*14) have been determined to be pathogenic (PMID: 1316610, 8381579, 9824584, 22135120, 27081525; Invitae). This suggests that this is a clinically significant region of the protein, and that variants that disrupt it are likely to be disease-causing. For these reasons, this variant has been classified as Pathogenic.

Literature cited by the submitters: PubMed 1316610 (cited by Labcorp Genetics (formerly Invitae), Labcorp); PubMed 8381579 (cited by Labcorp Genetics (formerly Invitae), Labcorp); PubMed 9824584 (cited by Labcorp Genetics (formerly Invitae), Labcorp); PubMed 22135120 (cited by Labcorp Genetics (formerly Invitae), Labcorp); PubMed 27081525 (cited by Labcorp Genetics (formerly Invitae), Labcorp).

NM_000038.6(APC):c.4100dup (p.Thr1368fs)

Gene: APC (APC regulator of Wnt signaling pathway; plus strand). Cytogenetic location: 5q22.2.
Variant type: Duplication.
Coding change: c.4100dup on transcript NM_000038.6 (MANE Select); coding-DNA position 4100, one base duplicated (A; older notation c.4100dupA).
Protein change: p.Thr1368fs; shifts the reading frame from threonine 1368.
Molecular consequence: frameshift variant. On other transcripts: non-coding transcript variant (2).
Genome position (GRCh38, 1-based): chr5:112,839,694, A duplicated. VCF-style (leftmost placement, unchanged base first): chr5-112839693-C-CA. GRCh37 (hg19) VCF-style: chr5-112175390-C-CA.
Other names: c.4046dup, p.Thr1350fs (NM_001127511.3); c.4100dup, p.Thr1368fs (NM_001127510.3, NM_001354895.2, NM_001407450.1); c.4130dup, p.Thr1378fs (NM_001354897.2); c.4154dup, p.Thr1386fs (NM_001354896.2, NM_001407447.1, NM_001407448.1 and 1 more transcripts); c.4025dup, p.Thr1343fs (NM_001354898.2); c.4016dup, p.Thr1340fs (NM_001354899.2); c.3977dup, p.Thr1327fs (NM_001354900.2); c.3923dup, p.Thr1309fs (NM_001354901.2, NM_001407453.1); and 11 more; short protein forms T1085fs, T1208fs, T1239fs, T1242fs, T1267fs, T1277fs, T1285fs, T1309fs.
Identifiers: ClinVar variation 2584171 (VCV002584171.4), dbSNP rs2533548438, ClinGen allele CA645543728.